The following is an entry in ClinVar:

NM_006949.4(STXBP2):c.1539-47G>A

Gene: STXBP2 (syntaxin binding protein 2; plus strand). Cytogenetic location: 19p13.2.
Variant type: single nucleotide variant.
Coding change: c.1539-47G>A on transcript NM_006949.4 (MANE Select); 47 bases into the intron before coding-DNA position 1539, G replaced by A.
Molecular consequence: intron variant.
Genome position (GRCh38, 1-based): chr19:7,647,307, G>A. VCF-style: chr19-7647307-G-A. GRCh37 (hg19) VCF-style: chr19-7712193-G-A.
Other names: c.1572-47G>A (NM_001272034.2); c.1530-47G>A (NM_001127396.3).
Identifiers: ClinVar variation 260093 (VCV000260093.8), dbSNP rs809916, ClinGen allele CA9144247.

ClinVar aggregate classification (germline): Benign. Review status: criteria provided, multiple submitters, no conflicts (2 of 4 stars). 4 submissions from 4 submitters: Benign (4). Last evaluated 2023-11-12.

Allele frequency attached by ClinVar (database versions not stated): TOPMed 0.21553; ExAC 0.21028; gnomAD exomes 0.23796 and 0.20797; 1000 Genomes Project 30x 0.17552; 1000 Genomes Project 0.17192; gnomAD 0.21196 and 0.21724; ESP Exome Variant Server 0.21702.
gnomAD v4.1: 379,315 of 1,611,754 alleles (24%); highest among the groups gnomAD compares: Non-Finnish European, 25%; 45,881 homozygotes.

Submissions (4):

Unidad de Genómica Garrahan, Hospital de Pediatría Garrahan
Classification: Benign. Last evaluated: 2023-11-12. Review status: criteria provided, single submitter. Criteria: ACMG Guidelines, 2015. Collection method: clinical testing. Allele origin: germline. Affected: no. Observed: 39 variant alleles.
Comment: This variant is classified as Benign based on local population frequency. This variant was detected in 41% of patients studied by a panel of primary immunodeficiencies. Number of patients: 39. Only high quality variants are reported.

GeneDx
Classification: Benign. Last evaluated: 2021-06-19. Review status: criteria provided, single submitter. Criteria: GeneDx Variant Classification Process June 2021. Collection method: clinical testing. Allele origin: germline. Affected: yes.

Breakthrough Genomics
Classification: Benign. Review status: criteria provided, single submitter. Criteria: ACMG Guidelines, 2015. Collection method: not provided. Allele origin: germline. Inheritance: Autosomal recessive inheritance. Affected: yes.

PreventionGenetics, part of Exact Sciences
Classification: Benign. Review status: criteria provided, single submitter. Criteria: ACMG Guidelines, 2015. Collection method: clinical testing. Allele origin: germline.